The following is an entry in ClinVar:

ClinVar aggregate classification (germline): Uncertain significance. Review status: criteria provided, multiple submitters, no conflicts (2 of 4 stars). 2 submissions from 2 submitters: Uncertain significance (2). Last evaluated 2024-10-23.

Conditions:
Hereditary cancer-predisposing syndrome. Also called: Hereditary neoplastic syndrome; Neoplastic Syndromes, Hereditary; Hereditary Cancer Syndrome; Tumor predisposition. Identifiers: Orphanet 140162, MedGen C0027672, MeSH D009386, MONDO:0015356.
Gastrointestinal stromal tumor. Also called: Gastrointestinal stromal tumor, somatic; Gastrointestinal stroma tumor. Identifiers: Orphanet 44890, MedGen C0238198, MeSH D046152, MONDO:0011719, OMIM 606764, HP:0100723.

Allele frequency attached by ClinVar (database versions not stated): gnomAD 0.00001; TOPMed 0.00001.
gnomAD v4.1: 7 of 1,613,608 alleles (0.00043%); highest among the groups gnomAD compares: Non-Finnish European, 0.00059%; no homozygotes.

Submissions (2):

Labcorp Genetics (formerly Invitae), Labcorp
Classification: Uncertain significance for Gastrointestinal stromal tumor. Last evaluated: 2024-10-23. Review status: criteria provided, single submitter. Criteria: Invitae Variant Classification Sherloc (09022015). Collection method: clinical testing. Allele origin: germline.
Comment: This sequence change replaces aspartic acid, which is acidic and polar, with tyrosine, which is neutral and polar, at codon 759 of the KIT protein (p.Asp759Tyr). This variant is present in population databases (rs754826149, gnomAD 0.0009%). This variant has not been reported in the literature in individuals affected with KIT-related conditions. ClinVar contains an entry for this variant (Variation ID: 942059). An algorithm developed to predict the effect of missense changes on protein structure and function (PolyPhen-2) suggests that this variant is likely to be disruptive. In summary, the available evidence is currently insufficient to determine the role of this variant in disease. Therefore, it has been classified as a Variant of Uncertain Significance.

Ambry Genetics
Classification: Uncertain significance for Hereditary cancer-predisposing syndrome. Last evaluated: 2023-12-20. Review status: criteria provided, single submitter. Criteria: Ambry Variant Classification Scheme 2023. Collection method: clinical testing. Allele origin: germline.
Comment: The p.D759Y variant (also known as c.2275G>T), located in coding exon 16 of the KIT gene, results from a G to T substitution at nucleotide position 2275. The aspartic acid at codon 759 is replaced by tyrosine, an amino acid with highly dissimilar properties. This amino acid position is conserved. In addition, the in silico prediction for this alteration is inconclusive. Since supporting evidence is limited at this time, the clinical significance of this alteration remains unclear.

NM_000222.3(KIT):c.2275G>T (p.Asp759Tyr)

Gene: KIT (KIT proto-oncogene, receptor tyrosine kinase; plus strand). Cytogenetic location: 4q12.
Variant type: single nucleotide variant.
Coding change: c.2275G>T on transcript NM_000222.3 (MANE Select); coding-DNA position 2275, G replaced by T.
Protein change: p.Asp759Tyr; replaces aspartic acid 759 with tyrosine.
Molecular consequence: missense variant.
Genome position (GRCh38, 1-based): chr4:54,731,912, G>T. VCF-style: chr4-54731912-G-T. GRCh37 (hg19) VCF-style: chr4-55598078-G-T.
Other names: c.2263G>T, p.Asp755Tyr (NM_001385292.1, NM_001093772.2); c.2278G>T, p.Asp760Tyr (NM_001385284.1); c.2272G>T, p.Asp758Tyr (NM_001385285.1); c.2260G>T, p.Asp754Tyr (NM_001385286.1); c.2266G>T, p.Asp756Tyr (NM_001385288.1); c.2275G>T, p.Asp759Tyr (NM_001385290.1); short protein forms D755Y, D759Y, D754Y, D756Y, D758Y, D760Y.
Identifiers: ClinVar variation 942059 (VCV000942059.12), dbSNP rs754826149, ClinGen allele CA2923710.